The following is an entry in ClinVar:

NM_004656.4(BAP1):c.660-74_667del

Gene: BAP1 (BRCA1 associated deubiquitinase 1; minus strand). Cytogenetic location: 3p21.1.
Variant type: Deletion.
Coding change: c.660-74_667del on transcript NM_004656.4 (MANE Select); 74 bases into the intron before coding-DNA position 660 through coding-DNA position 667, 82 bases deleted.
Molecular consequence: splice acceptor variant. On other transcripts: intron variant (1).
Genome position (GRCh38, 1-based): chr3:52,406,369-52,406,450, 82 bases deleted. GRCh37 (hg19): chr3:52,440,404-52,440,485.
Other names: c.660-128_660-47del (NM_001410772.1).
Identifiers: ClinVar variation 2871023 (VCV002871023.3), dbSNP rs2471344237, ClinGen allele CA2666006209.

ClinVar aggregate classification (germline): Likely pathogenic (1 of 4 stars; one submission).

Conditions:
BAP1-related tumor predisposition syndrome (TPDS1). Also called: Tumor susceptibility linked to germline BAP1 mutations; COMMON Syndrome; TUMOR PREDISPOSITION SYNDROME 1; BAP1 tumor predisposition syndrome. Identifiers: Orphanet 289539, MedGen C3280492, MONDO:0013692, OMIM 614327.

Submission:

Labcorp Genetics (formerly Invitae), Labcorp
Classification: Likely pathogenic for BAP1-related tumor predisposition syndrome. Last evaluated: 2025-05-23. Review status: criteria provided, single submitter. Criteria: Invitae Variant Classification Sherloc (09022015). Collection method: clinical testing. Allele origin: germline.
Comment: This variant results in the deletion of part of exon 9 (c.660-74_667del) of the BAP1 gene. RNA analysis indicates that this variant induces altered splicing and may result in an absent or altered protein product. This variant is not present in population databases (gnomAD no frequency). This variant has not been reported in the literature in individuals affected with BAP1-related conditions. ClinVar contains an entry for this variant (Variation ID: 2871023). Studies have shown that this variant results in activation of a cryptic splice site, and produces a non-functional protein and/or introduces a premature termination codon (internal data). In summary, the currently available evidence indicates that the variant is pathogenic, but additional data are needed to prove that conclusively. Therefore, this variant has been classified as Likely Pathogenic.